The following is an entry in ClinVar:

ClinVar aggregate classification (germline): Uncertain significance (1 of 4 stars; one submission).

Conditions:
Cardiomyopathy (CMYO). Also called: Cardiomyopathies. Identifiers: Orphanet 167848, MedGen C0878544, MONDO:0004994, HP:0001638. Inheritance: Various modes of inheritance.

Allele frequency attached by ClinVar (database versions not stated): gnomAD exomes below 0.00001.
gnomAD v4.1: 1 of 1,614,092 alleles (0.000062%); highest among the groups gnomAD compares: African/African-American, 0.0013%; no homozygotes.

Submission:

Color Diagnostics, LLC DBA Color Health
Classification: Uncertain significance for Cardiomyopathy. Last evaluated: 2024-03-06. Review status: criteria provided, single submitter. Criteria: ACMG Guidelines, 2015. Collection method: clinical testing. Allele origin: germline.
Comment: This missense variant replaces leucine with phenylalanine at codon 2424 of the DSP protein. Computational prediction is inconclusive regarding the impact of this variant on protein structure and function (internally defined REVEL score threshold 0.5 < inconclusive < 0.7, PMID: 27666373). To our knowledge, functional studies have not been reported for this variant. This variant has not been reported in individuals affected with cardiovascular disorders in the literature. This variant has not been identified in the general population by the Genome Aggregation Database (gnomAD). The available evidence is insufficient to determine the role of this variant in disease conclusively. Therefore, this variant is classified as a Variant of Uncertain Significance.

NM_004415.4(DSP):c.7270C>T (p.Leu2424Phe)

Gene: DSP (desmoplakin; plus strand). Cytogenetic location: 6p24.3.
Variant type: single nucleotide variant.
Coding change: c.7270C>T on transcript NM_004415.4 (MANE Select); coding-DNA position 7270, C replaced by T.
Protein change: p.Leu2424Phe; replaces leucine 2424 with phenylalanine.
Molecular consequence: missense variant.
Genome position (GRCh38, 1-based): chr6:7,584,532, C>T. VCF-style: chr6-7584532-C-T. GRCh37 (hg19) VCF-style: chr6-7584765-C-T.
Other names: c.5473C>T, p.Leu1825Phe (NM_001008844.3); c.5941C>T, p.Leu1981Phe (NM_001319034.2); short protein forms L1981F, L2424F, L1825F.
Identifiers: ClinVar variation 2775359 (VCV002775359.2), dbSNP rs2533944845, ClinGen allele CA362692628.